The following is an entry in ClinVar:

ClinVar aggregate classification (germline): Uncertain significance (0 of 4 stars; one submission).

Allele frequency attached by ClinVar (database versions not stated): gnomAD exomes 0.00001.
gnomAD v4.1: 7 of 1,613,300 alleles (0.00043%); highest among the groups gnomAD compares: Non-Finnish European, 0.00059%; no homozygotes.

Submission:

Genetic Services Laboratory, University of Chicago
Classification: Uncertain significance. Last evaluated: 2022-06-27. Review status: no assertion criteria provided. Collection method: clinical testing. Allele origin: germline. Affected: no.
Comment: DNA sequence analysis of the TTN gene demonstrated a sequence change, c.59432T>C, in exon 267 that results in an amino acid change, p.Ile19811Thr. This sequence change does not appear to have been previously described in individuals with TTN-related disorders and has also not been described in population databases such as ExAC and gnomAD. The p.Ile19811Thr change affects a highly conserved amino acid residue located in a domain of the TTN protein that is known to be functional. In-silico pathogenicity prediction tools (SIFT, PolyPhen2, Align GVGD, REVEL) provide contradictory results for the p.Ile19811Thr substitution. Due to insufficient evidences and the lack of functional studies, the clinical significance of the p.Ile19811Thr change remains unknown at this time.

NM_001267550.2(TTN):c.67136T>C (p.Ile22379Thr)

Genes: TTN (titin; minus strand), TTN-AS1 (TTN antisense RNA 1; plus strand). Cytogenetic location: 2q31.2.
Variant type: single nucleotide variant.
Coding change: c.67136T>C on transcript NM_001267550.2 (MANE Select); coding-DNA position 67136, T replaced by C.
Protein change: p.Ile22379Thr; replaces isoleucine 22379 with threonine.
Molecular consequence: missense variant.
Genome position (GRCh38, 1-based): chr2:178,580,151, A>G on the plus strand (T>C on the coding strand, the complement: TTN is on the minus strand). VCF-style: chr2-178580151-A-G. GRCh37 (hg19) VCF-style: chr2-179444878-A-G.
Other names: c.62213T>C, p.Ile20738Thr (NM_001256850.1); c.39941T>C, p.Ile13314Thr (NM_003319.4); c.59432T>C, p.Ile19811Thr (NM_133378.4); c.40316T>C, p.Ile13439Thr (NM_133432.3); c.40517T>C, p.Ile13506Thr (NM_133437.4); short protein forms I13314T, I13439T, I13506T, I19811T, I20738T, I22379T.
Identifiers: ClinVar variation 2443287 (VCV002443287.2), dbSNP rs2468914926, ClinGen allele CA349424406.